The following is an entry in ClinVar:

ClinVar aggregate classification (germline): Uncertain significance (1 of 4 stars; one submission).

Submission:

Labcorp Genetics (formerly Invitae), Labcorp
Classification: Uncertain significance. Last evaluated: 2024-07-20. Review status: criteria provided, single submitter. Criteria: Invitae Variant Classification Sherloc (09022015). Collection method: clinical testing. Allele origin: germline.
Comment: This sequence change replaces glycine, which is neutral and non-polar, with glutamic acid, which is acidic and polar, at codon 245 of the LOXHD1 protein (p.Gly245Glu). Information on the frequency of this variant in the gnomAD database is not available, as this variant may be reported differently in the database. This variant has not been reported in the literature in individuals affected with LOXHD1-related conditions. An algorithm developed to predict the effect of missense changes on protein structure and function (PolyPhen-2) suggests that this variant is likely to be tolerated. In summary, the available evidence is currently insufficient to determine the role of this variant in disease. Therefore, it has been classified as a Variant of Uncertain Significance.

NM_001384474.1(LOXHD1):c.734_735delinsAA (p.Gly245Glu)

Gene: LOXHD1 (lipoxygenase homology PLAT domains 1; minus strand). Cytogenetic location: 18q21.1.
Variant type: Indel.
Coding change: c.734_735delinsAA on transcript NM_001384474.1 (MANE Select); coding-DNA positions 734 to 735, GC replaced by AA.
Protein change: p.Gly245Glu; replaces glycine 245 with glutamic acid.
Molecular consequence: missense variant.
Genome position (GRCh38, 1-based): chr18:46,610,800-46,610,801, GC replaced by TT on the plus strand (GC replaced by AA on the coding strand, the reverse complement: LOXHD1 is on the minus strand). VCF-style: chr18-46610800-GC-TT. GRCh37 (hg19) VCF-style: chr18-44190763-GC-TT.
Other names: c.734_735delinsAA, p.Gly245Glu (NM_144612.7); short protein forms G245E.
Identifiers: ClinVar variation 3659845 (VCV003659845.2).